The following is an entry in ClinVar:

NM_014687.4(RUBCN):c.266G>A (p.Arg89Gln)

Gene: RUBCN (rubicon autophagy regulator; minus strand). Cytogenetic location: 3q29.
Variant type: single nucleotide variant.
Coding change: c.266G>A on transcript NM_014687.4 (MANE Select); coding-DNA position 266, G replaced by A.
Protein change: p.Arg89Gln; replaces arginine 89 with glutamine.
Molecular consequence: missense variant.
Genome position (GRCh38, 1-based): chr3:197,705,129, C>T on the plus strand (G>A on the coding strand, the complement: RUBCN is on the minus strand). VCF-style: chr3-197705129-C-T. GRCh37 (hg19) VCF-style: chr3-197432000-C-T.
Other names: p.Arg29Gln; c.86G>A, p.Arg29Gln (NM_001145642.5); c.266G>A, p.Arg89Gln (NM_001346873.2); short protein forms R29Q, R89Q.
Identifiers: ClinVar variation 4684771 (VCV004684771.1).
Genomic context (GRCh38, chr3:197,705,129, plus strand): 5'-AGCCGCTCTGCTCTCACTCTTACCTTCTCCACGTGAAGGGCTGAGTGGGGACTGAGCCAC[C>T]GGATGTCTTTCACGAACTGCCAGTAATCCGTCTGGCGGCGGCACGCCTGCAAAGGGAACA-3'
Protein context (NP_055502.1, residues 79-99): TDYWQFVKDI[Arg89Gln]WLSPHSALHV

ClinVar aggregate classification (germline): Benign (1 of 4 stars; one submission).

gnomAD v4.1: 16,054 of 1,613,998 alleles (0.99%); highest among the groups gnomAD compares: East Asian, 5.6%; 273 homozygotes.

Submission:

Mayo Clinic Laboratories, Mayo Clinic
Classification: Benign. Last evaluated: 2023-11-07. Review status: criteria provided, single submitter. Criteria: ACMG Guidelines, 2015. Collection method: clinical testing. Allele origin: germline. Observed: 11 variant alleles.
Comment: BS1, BS2, BP4